The following is an entry in ClinVar:

NM_031443.4(CCM2):c.472+1G>T

Gene: CCM2 (CCM2 scaffold protein; plus strand). Cytogenetic location: 7p13.
Variant type: single nucleotide variant.
Coding change: c.472+1G>T on transcript NM_031443.4 (MANE Select); the canonical splice donor site of the intron after coding-DNA position 472, G replaced by T.
Molecular consequence: splice donor variant.
Genome position (GRCh38, 1-based): chr7:45,064,647, G>T. VCF-style: chr7-45064647-G-T. GRCh37 (hg19) VCF-style: chr7-45104246-G-T.
Other names: c.472+1G>T (NM_001363458.2, NM_001167935.2); c.298+1G>T (NM_001363459.2, NM_001167934.2); c.535+1G>T (NM_001029835.2).
Identifiers: ClinVar variation 4282466 (VCV004282466.1).

ClinVar aggregate classification (germline): Likely pathogenic (1 of 4 stars; one submission).

gnomAD v4.1: 5 of 1,613,810 alleles (0.00031%); highest among the groups gnomAD compares: Non-Finnish European, 0.00042%; no homozygotes.

Submission:

GeneDx
Classification: Likely pathogenic. Last evaluated: 2025-04-11. Review status: criteria provided, single submitter. Criteria: GeneDx Variant Classification Process June 2021. Collection method: clinical testing. Allele origin: germline. Affected: yes.
Comment: Canonical splice site variant predicted to result in a null allele in a gene for which loss of function is a known mechanism of disease; Not observed at significant frequency in large population cohorts (gnomAD); This variant is associated with the following publications: (PMID: 24698976)